The following is an entry in ClinVar:

NM_001105206.3(LAMA4):c.3229A>G (p.Ile1077Val)

Gene: LAMA4 (laminin subunit alpha 4; minus strand). Cytogenetic location: 6q21.
Variant type: single nucleotide variant.
Coding change: c.3229A>G on transcript NM_001105206.3 (MANE Select); coding-DNA position 3229, A replaced by G.
Protein change: p.Ile1077Val; replaces isoleucine 1077 with valine.
Molecular consequence: missense variant.
Genome position (GRCh38, 1-based): chr6:112,139,173, T>C on the plus strand (A>G on the coding strand, the complement: LAMA4 is on the minus strand). VCF-style: chr6-112139173-T-C. GRCh37 (hg19) VCF-style: chr6-112460375-T-C.
Other names: c.3208A>G, p.Ile1070Val (NM_001105207.3, NM_002290.5); short protein forms I1077V, I1070V.
Identifiers: ClinVar variation 3536973 (VCV003536973.1).
Genomic context (GRCh38, chr6:112,139,173, plus strand): 5'-TACTCACTCCATTGACCATCAGGAGAATAAGGCCGTTGTCAGCTGGTGTTCGAACTTCTA[T>C]GTCAAAGCGAGTCACCTGACCAAATTTCCCTCTCCTTGTGATGTCTCTCACCACGGCATA-3'
Protein context (NP_001098676.2, residues 1067-1087): GKFGQVTRFD[Ile1077Val]EVRTPADNGL

ClinVar aggregate classification (germline): Uncertain significance (1 of 4 stars; one submission).

Conditions:
Cardiovascular phenotype. Identifiers: MedGen CN230736.

gnomAD v4.1: 3 of 1,614,156 alleles (0.00019%); highest among the groups gnomAD compares: East Asian, 0.0045%; no homozygotes.

Submission:

Ambry Genetics
Classification: Uncertain significance for Cardiovascular phenotype. Last evaluated: 2024-11-17. Review status: criteria provided, single submitter. Criteria: Ambry Variant Classification Scheme 2023. Collection method: clinical testing. Allele origin: germline.
Comment: The p.I1070V variant (also known as c.3208A>G), located in coding exon 23 of the LAMA4 gene, results from an A to G substitution at nucleotide position 3208. The isoleucine at codon 1070 is replaced by valine, an amino acid with highly similar properties. This amino acid position is conserved. In addition, this alteration is predicted to be tolerated by in silico analysis. Based on the available evidence, the clinical significance of this variant remains unclear.